The following is an entry in ClinVar:

NM_020738.4(KIDINS220):c.3695A>G (p.Gln1232Arg)

Gene: KIDINS220 (kinase D interacting substrate 220; minus strand). Cytogenetic location: 2p25.1.
Variant type: single nucleotide variant.
Coding change: c.3695A>G on transcript NM_020738.4 (MANE Select); coding-DNA position 3695, A replaced by G.
Protein change: p.Gln1232Arg; replaces glutamine 1232 with arginine.
Molecular consequence: missense variant. On other transcripts: non-coding transcript variant (2).
Genome position (GRCh38, 1-based): chr2:8,736,890, T>C on the plus strand (A>G on the coding strand, the complement: KIDINS220 is on the minus strand). VCF-style: chr2-8736890-T-C. GRCh37 (hg19) VCF-style: chr2-8877020-T-C.
Other names: c.3524A>G, p.Gln1175Arg (NM_001348735.2, NM_001348741.2, NM_001348742.2 and 1 more transcripts); c.3398A>G, p.Gln1133Arg (NM_001348736.2); c.3638A>G, p.Gln1213Arg (NM_001348738.2, NM_001348732.2); c.3527A>G, p.Gln1176Arg (NM_001348739.2, NM_001348740.2, NM_001348734.2); c.3698A>G, p.Gln1233Arg (NM_001348729.2); c.3641A>G, p.Gln1214Arg (NM_001348731.2); short protein forms Q1176R, Q1213R, Q1175R, Q1214R, Q1233R, Q1133R, Q1232R.
Identifiers: ClinVar variation 2791403 (VCV002791403.3), dbSNP rs2527465138, ClinGen allele CA345769043.

ClinVar aggregate classification (germline): Uncertain significance (1 of 4 stars; one submission).

Allele frequency attached by ClinVar (database versions not stated): gnomAD exomes below 0.00001.
gnomAD v4.1: 1 of 1,614,204 alleles (0.000062%); highest among the groups gnomAD compares: Non-Finnish European, 0.000085%; no homozygotes.

Submission:

Labcorp Genetics (formerly Invitae), Labcorp
Classification: Uncertain significance. Last evaluated: 2022-12-23. Review status: criteria provided, single submitter. Criteria: Invitae Variant Classification Sherloc (09022015). Collection method: clinical testing. Allele origin: germline.
Comment: In summary, the available evidence is currently insufficient to determine the role of this variant in disease. Therefore, it has been classified as a Variant of Uncertain Significance. This sequence change replaces glutamine, which is neutral and polar, with arginine, which is basic and polar, at codon 1232 of the KIDINS220 protein (p.Gln1232Arg). This variant is not present in population databases (gnomAD no frequency). This variant has not been reported in the literature in individuals affected with KIDINS220-related conditions. Algorithms developed to predict the effect of missense changes on protein structure and function are either unavailable or do not agree on the potential impact of this missense change (SIFT: "Tolerated"; PolyPhen-2: "Possibly Damaging"; Align-GVGD: "Class C0").